The following is an entry in ClinVar:

ClinVar aggregate classification (germline): Uncertain significance (1 of 4 stars; one submission).

Submission:

GeneDx
Classification: Uncertain significance. Last evaluated: 2019-08-21. Review status: criteria provided, single submitter. Criteria: GeneDx Variant Classification Process June 2021. Collection method: clinical testing. Allele origin: germline. Affected: yes.
Comment: Not observed in large population cohorts (Lek et al., 2016); Canonical splice site variant predicted to result in an in-frame deletion of exon 13; Has not been previously published as pathogenic or benign to our knowledge

NM_032888.4(COL27A1):c.2368-2A>G

Gene: COL27A1 (collagen type XXVII alpha 1 chain; plus strand). Cytogenetic location: 9q32.
Variant type: single nucleotide variant.
Coding change: c.2368-2A>G on transcript NM_032888.4 (MANE Select); the canonical splice acceptor site of the intron before coding-DNA position 2368, A replaced by G.
Molecular consequence: splice acceptor variant.
Genome position (GRCh38, 1-based): chr9:114,219,789, A>G. VCF-style: chr9-114219789-A-G. GRCh37 (hg19) VCF-style: chr9-116982069-A-G.
Identifiers: ClinVar variation 1308030 (VCV001308030.2), dbSNP rs2135381687, ClinGen allele CA374602497.